The following is an entry in ClinVar:

NM_001378120.1(MBD5):c.3917A>G (p.Asp1306Gly)

Gene: MBD5 (methyl-CpG binding domain protein 5; plus strand). Cytogenetic location: 2q23.1.
Variant type: single nucleotide variant.
Coding change: c.3917A>G on transcript NM_001378120.1 (MANE Select); coding-DNA position 3917, A replaced by G.
Protein change: p.Asp1306Gly; replaces aspartic acid 1306 with glycine.
Molecular consequence: missense variant.
Genome position (GRCh38, 1-based): chr2:148,489,549, A>G. VCF-style: chr2-148489549-A-G. GRCh37 (hg19) VCF-style: chr2-149247118-A-G.
Other names: c.3218A>G, p.Asp1073Gly (NM_018328.5); short protein forms D1306G, D1073G.
Identifiers: ClinVar variation 3660467 (VCV003660467.2).

ClinVar aggregate classification (germline): Uncertain significance (1 of 4 stars; one submission).

Conditions:
Intellectual developmental disorder, autosomal dominant 1. Also called: MBD5 Haploinsufficiency; Intellectual disability, autosomal dominant 1. Identifiers: Orphanet 228402, MedGen C1969562, MONDO:0007974, OMIM 156200.

Submission:

Labcorp Genetics (formerly Invitae), Labcorp
Classification: Uncertain significance for Intellectual developmental disorder, autosomal dominant 1. Last evaluated: 2024-09-23. Review status: criteria provided, single submitter. Criteria: Invitae Variant Classification Sherloc (09022015). Collection method: clinical testing. Allele origin: germline.
Comment: This sequence change replaces aspartic acid, which is acidic and polar, with glycine, which is neutral and non-polar, at codon 1073 of the MBD5 protein (p.Asp1073Gly). This variant is not present in population databases (gnomAD no frequency). This variant has not been reported in the literature in individuals affected with MBD5-related conditions. Invitae Evidence Modeling of protein sequence and biophysical properties (such as structural, functional, and spatial information, amino acid conservation, physicochemical variation, residue mobility, and thermodynamic stability) indicates that this missense variant is not expected to disrupt MBD5 protein function with a negative predictive value of 80%. In summary, the available evidence is currently insufficient to determine the role of this variant in disease. Therefore, it has been classified as a Variant of Uncertain Significance.